The following is an entry in ClinVar:

NM_004656.4(BAP1):c.30C>T (p.Ser10=)

Gene: BAP1 (BRCA1 associated deubiquitinase 1; minus strand). Cytogenetic location: 3p21.1.
Variant type: single nucleotide variant.
Coding change: c.30C>T on transcript NM_004656.4 (MANE Select); coding-DNA position 30, C replaced by T.
Protein change: p.Ser10=; no amino-acid change (serine 10 retained).
Molecular consequence: synonymous variant.
Genome position (GRCh38, 1-based): chr3:52,409,849, G>A on the plus strand (C>T on the coding strand, the complement: BAP1 is on the minus strand). VCF-style: chr3-52409849-G-A. GRCh37 (hg19) VCF-style: chr3-52443865-G-A.
Identifiers: ClinVar variation 490853 (VCV000490853.16), dbSNP rs766423600, ClinGen allele CA2437260.

ClinVar aggregate classification (germline): Benign/Likely benign. Review status: criteria provided, multiple submitters, no conflicts (2 of 4 stars). 4 submissions from 4 submitters: Benign (1); Likely benign (3). Last evaluated 2026-01-08.

Conditions:
Hereditary cancer-predisposing syndrome. Also called: Hereditary Cancer Syndrome; Neoplastic Syndromes, Hereditary; Tumor predisposition; Hereditary neoplastic syndrome. Identifiers: Orphanet 140162, MedGen C0027672, MeSH D009386, MONDO:0015356.
BAP1-related tumor predisposition syndrome (TPDS1). Also called: Tumor susceptibility linked to germline BAP1 mutations; BAP1 tumor predisposition syndrome; COMMON Syndrome; TUMOR PREDISPOSITION SYNDROME 1. Identifiers: Orphanet 289539, MedGen C3280492, MONDO:0013692, OMIM 614327.

Allele frequency attached by ClinVar (database versions not stated): gnomAD exomes 0.00001; TOPMed 0.00001; ExAC 0.00002.

Submissions (4):

Labcorp Genetics (formerly Invitae), Labcorp
Classification: Likely benign for BAP1-related tumor predisposition syndrome. Last evaluated: 2026-01-08. Review status: criteria provided, single submitter. Criteria: Invitae Variant Classification Sherloc (09022015). Collection method: clinical testing. Allele origin: germline.

Myriad Genetics, Inc.
Classification: Benign for BAP1-related tumor predisposition syndrome. Last evaluated: 2024-07-11. Review status: criteria provided, single submitter. Criteria: Myriad Autosomal Dominant, Autosomal Recessive and X-Linked Classification Criteria (2023). Collection method: clinical testing. Allele origin: unknown.
Comment: This variant is considered benign. This variant is a silent/synonymous amino acid change and it is not expected to impact splicing.

Ambry Genetics
Classification: Likely benign for Hereditary cancer-predisposing syndrome. Last evaluated: 2020-08-26. Review status: criteria provided, single submitter. Criteria: Ambry Variant Classification Scheme 2023. Collection method: clinical testing. Allele origin: germline.

Color Diagnostics, LLC DBA Color Health
Classification: Likely benign for Hereditary cancer-predisposing syndrome. Last evaluated: 2017-03-06. Review status: criteria provided, single submitter. Criteria: ACMG Guidelines, 2015. Collection method: clinical testing. Allele origin: germline.